The following is an entry in ClinVar:

NM_000362.5(TIMP3):c.542A>G (p.His181Arg)

Genes: SYN3 (synapsin III; minus strand), TIMP3 (TIMP metallopeptidase inhibitor 3; plus strand). Cytogenetic location: 22q12.3.
Variant type: single nucleotide variant.
Coding change: c.542A>G on transcript NM_000362.5 (MANE Select); coding-DNA position 542, A replaced by G.
Protein change: p.His181Arg; replaces histidine 181 with arginine.
Molecular consequence: missense variant. On other transcripts: intron variant (7).
Genome position (GRCh38, 1-based): chr22:32,859,283, A>G. VCF-style: chr22-32859283-A-G. GRCh37 (hg19) VCF-style: chr22-33255270-A-G.
Other names: c.708+5632T>C (NM_001369909.1, NM_001135774.2, NM_001369910.1); c.711+5632T>C (NM_001369907.1, NM_003490.4, NM_001369908.1 and 1 more transcripts); short protein forms H181R.
Identifiers: ClinVar variation 1351499 (VCV001351499.8), dbSNP rs2048468500, ClinGen allele CA411540357.

ClinVar aggregate classification (germline): Pathogenic (1 of 4 stars; one submission).

gnomAD v4.1: 1 of 1,614,164 alleles (0.000062%); no homozygotes.

Submission:

Labcorp Genetics (formerly Invitae), Labcorp
Classification: Pathogenic. Last evaluated: 2025-12-23. Review status: criteria provided, single submitter. Criteria: Invitae Variant Classification Sherloc (09022015). Collection method: clinical testing. Allele origin: germline.
Comment: This sequence change replaces histidine, which is basic and polar, with arginine, which is basic and polar, at codon 181 of the TIMP3 protein (p.His181Arg). This variant is not present in population databases (gnomAD no frequency). This missense change has been observed in individual(s) with Sorsby fundus dystrophy (PMID: 16989765). It has also been observed to segregate with disease in related individuals. This variant is also known as p.His158Arg. ClinVar contains an entry for this variant (Variation ID: 1351499). An algorithm developed to predict the effect of missense changes on protein structure and function (PolyPhen-2) suggests that this variant is likely to be disruptive. For these reasons, this variant has been classified as Pathogenic.

Literature cited by the submitters: PubMed 16989765.